The following is an entry in ClinVar:

ClinVar aggregate classification (germline): Uncertain significance (1 of 4 stars; one submission).

Conditions:
Arrhythmogenic cardiomyopathy with wooly hair and keratoderma. Also called: PALMOPLANTAR KERATODERMA WITH LEFT VENTRICULAR CARDIOMYOPATHY AND WOOLLY HAIR; Carvajal syndrome; Dilated cardiomyopathy with woolly hair and keratoderma; Arrhythmogenic cardiomyopathy with woolly hair and keratoderma. Identifiers: Orphanet 65282, MedGen C1854063, MONDO:0011581, OMIM 605676.

Submission:

All of Us Research Program, National Institutes of Health
Classification: Uncertain significance for Arrhythmogenic cardiomyopathy with wooly hair and keratoderma. Last evaluated: 2023-06-26. Review status: criteria provided, single submitter. Criteria: ACMG Guidelines, 2015. Collection method: clinical testing. Allele origin: germline. Inheritance: Autosomal dominant inheritance. Observed: 1 variant allele, 1 heterozygote.
Comment: This missense variant replaces valine with leucine at codon 2479 of the DSP protein. Computational prediction suggests that this variant may not impact protein structure and function (internally defined REVEL score threshold <= 0.5, PMID: 27666373). To our knowledge, functional studies have not been reported for this variant. This variant has been reported in an individual with a suspected conduction disorder (PMID: 30847666). This variant has not been identified in the general population by the Genome Aggregation Database (gnomAD). The available evidence is insufficient to determine the role of this variant in disease conclusively. Therefore, this variant is classified as a Variant of Uncertain Significance.

This study involves interpretation of variants in research participants for the purpose of population health screening. Participant phenotype was not available at the time of variant classification. Additional details can be found in publication PMID: 35346344, PMCID: PMC8962531

Literature cited by the submitters: PubMed 30847666.

NM_004415.4(DSP):c.7435G>C (p.Val2479Leu)

Gene: DSP (desmoplakin; plus strand). Cytogenetic location: 6p24.3.
Variant type: single nucleotide variant.
Coding change: c.7435G>C on transcript NM_004415.4 (MANE Select); coding-DNA position 7435, G replaced by C.
Protein change: p.Val2479Leu; replaces valine 2479 with leucine.
Molecular consequence: missense variant.
Genome position (GRCh38, 1-based): chr6:7,584,697, G>C. VCF-style: chr6-7584697-G-C. GRCh37 (hg19) VCF-style: chr6-7584930-G-C.
Other names: c.5638G>C, p.Val1880Leu (NM_001008844.3); c.6106G>C, p.Val2036Leu (NM_001319034.2); short protein forms V1880L, V2036L, V2479L.
Identifiers: ClinVar variation 3071825 (VCV003071825.1), dbSNP rs2533945842, ClinGen allele CA362692998.
Genomic context (GRCh38, chr6:7,584,697, plus strand): 5'-AATACCCTCAGGAAGCGTAGAGTGGTCATAGTTGACCCAGAAACCAATAAAGAAATGTCT[G>C]TTCAGGAGGCCTACAAGAAGGGCCTAATTGATTATGAAACCTTCAAAGAACTGTGTGAGC-3'
Protein context (NP_004406.2, residues 2469-2489): VDPETNKEMS[Val2479Leu]QEAYKKGLID